The following is an entry in ClinVar:

NM_001164508.2(NEB):c.23129_23133dup (p.Tyr7712fs)

Genes: NEB (nebulin; minus strand), RIF1 (replication timing regulatory factor 1; plus strand). Cytogenetic location: 2q23.3.
Variant type: Duplication.
Coding change: c.23129_23133dup on transcript NM_001164508.2 (MANE Select); coding-DNA positions 23129 to 23133, 5 bases duplicated (AAGAA; older notation c.23129_23133dupAAGAA).
Protein change: p.Tyr7712fs; shifts the reading frame from tyrosine 7712.
Molecular consequence: frameshift variant.
Genome position (GRCh38, 1-based): chr2:151,513,688-151,513,692, TTCTT duplicated on the plus strand (AAGAA on the coding strand, the reverse complement: NEB is on the minus strand); duplicating any 5 consecutive bases within chr2:151,513,688-151,513,693 gives the same sequence; the c. name uses the placement nearest the transcript's 3' end. VCF-style (leftmost placement, unchanged base first): chr2-151513687-A-ATTCTT. GRCh37 (hg19) VCF-style: chr2-152370201-A-ATTCTT.
Other names: c.23129_23133dup, p.Tyr7712fs (NM_001164507.2); c.23234_23238dup, p.Tyr7747fs (NM_001271208.2); c.18026_18030dup, p.Tyr6011fs (NM_004543.5); short protein forms Y6011fs, Y7712fs, Y7747fs.
Identifiers: ClinVar variation 3251068 (VCV003251068.18), dbSNP rs2552076759.
Genomic context (GRCh38, chr2:151,513,687, plus strand): 5'-TTTCATTGGCCATGGCATTCAGGCCTCTTCCTTTGACTTCCAGTTCCAGGTCTCGCTTAT[A>ATTCTT]TTCTTTCTATAGTAGCATTAAAAGAAAAAAAAAAGGTACCTAAATGCTACTACTAGGTAA-3'

ClinVar aggregate classification (germline): Pathogenic (1 of 4 stars; one submission).

Submission:

CeGaT Center for Human Genetics Tuebingen
Classification: Pathogenic. Last evaluated: 2024-06-01. Review status: criteria provided, single submitter. Criteria: CeGaT Center For Human Genetics Tuebingen Variant Classification Criteria Version 2. Collection method: clinical testing. Allele origin: germline. Affected: yes. Observed: 1 variant allele.
Comment: NEB: PVS1, PM2, PM3:Supporting, PP4